The following is an entry in ClinVar:

NM_006231.4(POLE):c.4487A>T (p.His1496Leu)

Gene: POLE (DNA polymerase epsilon, catalytic subunit; minus strand). Cytogenetic location: 12q24.33.
Variant type: single nucleotide variant.
Coding change: c.4487A>T on transcript NM_006231.4 (MANE Select); coding-DNA position 4487, A replaced by T.
Protein change: p.His1496Leu; replaces histidine 1496 with leucine.
Molecular consequence: missense variant.
Genome position (GRCh38, 1-based): chr12:132,643,288, T>A on the plus strand (A>T on the coding strand, the complement: POLE is on the minus strand). VCF-style: chr12-132643288-T-A. GRCh37 (hg19) VCF-style: chr12-133219874-T-A.
Other names: short protein forms H1496L.
Identifiers: ClinVar variation 1740930 (VCV001740930.5), dbSNP rs2138546966, ClinGen allele CA387380624.

ClinVar aggregate classification (germline): Uncertain significance. Review status: criteria provided, multiple submitters, no conflicts (2 of 4 stars). 2 submissions from 2 submitters: Uncertain significance (2). Last evaluated 2023-11-05.

Conditions:
Hereditary cancer-predisposing syndrome. Also called: Hereditary Cancer Syndrome; Hereditary neoplastic syndrome; Neoplastic Syndromes, Hereditary; Tumor predisposition. Identifiers: Orphanet 140162, MedGen C0027672, MeSH D009386, MONDO:0015356.

Submissions (2):

Labcorp Genetics (formerly Invitae), Labcorp
Classification: Uncertain significance. Last evaluated: 2023-11-05. Review status: criteria provided, single submitter. Criteria: Invitae Variant Classification Sherloc (09022015). Collection method: clinical testing. Allele origin: germline.
Comment: This sequence change replaces histidine, which is basic and polar, with leucine, which is neutral and non-polar, at codon 1496 of the POLE protein (p.His1496Leu). This variant is not present in population databases (gnomAD no frequency). This variant has not been reported in the literature in individuals affected with POLE-related conditions. ClinVar contains an entry for this variant (Variation ID: 1740930). Advanced modeling of protein sequence and biophysical properties (such as structural, functional, and spatial information, amino acid conservation, physicochemical variation, residue mobility, and thermodynamic stability) performed at Invitae indicates that this missense variant is not expected to disrupt POLE protein function with a negative predictive value of 80%. In summary, the available evidence is currently insufficient to determine the role of this variant in disease. Therefore, it has been classified as a Variant of Uncertain Significance.

Ambry Genetics
Classification: Uncertain significance for Hereditary cancer-predisposing syndrome. Last evaluated: 2022-01-16. Review status: criteria provided, single submitter. Criteria: Ambry Variant Classification Scheme 2023. Collection method: clinical testing. Allele origin: germline.
Comment: The p.H1496L variant (also known as c.4487A>T), located in coding exon 35 of the POLE gene, results from an A to T substitution at nucleotide position 4487. The histidine at codon 1496 is replaced by leucine, an amino acid with similar properties. This amino acid position is conserved. In addition, this alteration is predicted to be tolerated by in silico analysis. Since supporting evidence is limited at this time, the clinical significance of this alteration remains unclear.